The following is an entry in ClinVar:

NM_001379210.1(SLC25A26):c.707+121T>C

Gene: SLC25A26 (solute carrier family 25 member 26; plus strand). Cytogenetic location: 3p14.1.
Variant type: single nucleotide variant.
Coding change: c.707+121T>C on transcript NM_001379210.1 (MANE Select); 121 bases into the intron after coding-DNA position 707, T replaced by C.
Molecular consequence: intron variant.
Genome position (GRCh38, 1-based): chr3:66,370,723, T>C. VCF-style: chr3-66370723-T-C. GRCh37 (hg19) VCF-style: chr3-66421147-T-C.
Other names: c.707+121T>C (NM_173471.4); c.443+121T>C (NM_001350993.1, NM_001164796.1).
Identifiers: ClinVar variation 683941 (VCV000683941.2), dbSNP rs332378, ClinGen allele CA11582381.

ClinVar aggregate classification (germline): Benign. Review status: criteria provided, multiple submitters, no conflicts (2 of 4 stars). 2 submissions from 2 submitters: Benign (2). Last evaluated 2018-06-14.

Allele frequency attached by ClinVar (database versions not stated): 1000 Genomes Project 30x 0.23173; gnomAD exomes 0.23240; TOPMed 0.27076; gnomAD 0.27688 and 0.28569; 1000 Genomes Project 0.22823.
gnomAD v4.1: 175,439 of 727,772 alleles (24%); highest among the groups gnomAD compares: African/African-American, 39%; 23,097 homozygotes.

Submissions (2):

GeneDx
Classification: Benign. Last evaluated: 2018-06-14. Review status: criteria provided, single submitter. Criteria: GeneDx Variant Classification (06012015). Collection method: clinical testing. Allele origin: germline. Affected: yes.
Comment: This variant is considered likely benign or benign based on one or more of the following criteria: it is a conservative change, it occurs at a poorly conserved position in the protein, it is predicted to be benign by multiple in silico algorithms, and/or has population frequency not consistent with disease.

Breakthrough Genomics
Classification: Benign. Review status: criteria provided, single submitter. Criteria: ACMG Guidelines, 2015. Collection method: not provided. Allele origin: germline. Inheritance: Autosomal recessive inheritance. Affected: yes.